The following is an entry in ClinVar:

NM_025099.6(CTC1):c.793-112T>A

Gene: CTC1 (CST telomere replication complex component 1; minus strand). Cytogenetic location: 17p13.1.
Variant type: single nucleotide variant.
Coding change: c.793-112T>A on transcript NM_025099.6 (MANE Select); 112 bases into the intron before coding-DNA position 793, T replaced by A.
Molecular consequence: intron variant.
Genome position (GRCh38, 1-based): chr17:8,236,454, A>T on the plus strand (T>A on the coding strand, the complement: CTC1 is on the minus strand). VCF-style: chr17-8236454-A-T. GRCh37 (hg19) VCF-style: chr17-8139772-A-T.
Identifiers: ClinVar variation 1230747 (VCV001230747.6), dbSNP rs59922886, ClinGen allele CA14394907.

ClinVar aggregate classification (germline): Benign. Review status: criteria provided, multiple submitters, no conflicts (2 of 4 stars). 3 submissions from 3 submitters: Benign (3). Last evaluated 2024-01-24.

Allele frequency attached by ClinVar (database versions not stated): gnomAD 0.27836 and 0.28104; 1000 Genomes Project 0.28574; 1000 Genomes Project 30x 0.28654; TOPMed 0.29249; gnomAD exomes 0.30274.
gnomAD v4.1: 327,804 of 1,095,044 alleles (30%); highest among the groups gnomAD compares: Admixed American, 48%; 50,014 homozygotes.

Submissions (3):

Unidad de Genómica Garrahan, Hospital de Pediatría Garrahan
Classification: Benign. Last evaluated: 2024-01-24. Review status: criteria provided, single submitter. Criteria: ACMG Guidelines, 2015. Collection method: clinical testing. Allele origin: germline. Affected: no. Observed: 22 variant alleles.
Comment: This variant is classified as Benign based on local population frequency. This variant was detected in 23% of patients studied by a panel of primary immunodeficiencies. Number of patients: 22. Only high quality variants are reported.

GeneDx
Classification: Benign. Last evaluated: 2018-11-12. Review status: criteria provided, single submitter. Criteria: GeneDx Variant Classification Process June 2021. Collection method: clinical testing. Allele origin: germline. Affected: yes.

Breakthrough Genomics
Classification: Benign. Review status: criteria provided, single submitter. Criteria: ACMG Guidelines, 2015. Collection method: not provided. Allele origin: germline. Inheritance: Autosomal recessive inheritance. Affected: yes.